The following is an entry in ClinVar:

NM_206926.2(SELENON):c.990+6C>G

Gene: SELENON (selenoprotein N; plus strand). Cytogenetic location: 1p36.11.
Variant type: single nucleotide variant.
Coding change: c.990+6C>G on transcript NM_206926.2 (MANE Select); 6 bases into the intron after coding-DNA position 990, C replaced by G.
Molecular consequence: intron variant.
Genome position (GRCh38, 1-based): chr1:25,811,541, C>G. VCF-style: chr1-25811541-C-G. GRCh37 (hg19) VCF-style: chr1-26138032-C-G.
Other names: p.?; c.1092+6C>G (NM_020451.3).
Identifiers: ClinVar variation 212146 (VCV000212146.55), dbSNP rs148071754, ClinGen allele CA208710.

ClinVar aggregate classification (germline): Benign/Likely benign. Review status: criteria provided, multiple submitters, no conflicts (2 of 4 stars). 13 submissions from 13 submitters: Benign (7); Likely benign (2). 4 of the submissions do not count toward it. Last evaluated 2026-09-01.

Conditions:
SEPN1-related disorder. Also called: SEPN1-Related Disorders. Identifiers: MedGen CN239420.
Eichsfeld type congenital muscular dystrophy (CMYO3). Also called: MYOPATHY, SEPN1-RELATED; Rigid spine muscular dystrophy 1; SELENON-related myopathy; Congenital myopathy 3 with rigid spine. Identifiers: MedGen C0410180, MONDO:0100100, OMIM 602771.

Allele frequency attached by ClinVar (database versions not stated): 1000 Genomes Project 30x 0.00203; 1000 Genomes Project 0.00220; TOPMed 0.00766; ESP Exome Variant Server 0.00907.
gnomAD v4.1: 15,854 of 1,613,672 alleles (0.98%); highest among the groups gnomAD compares: Middle Eastern, 2.9%; 120 homozygotes.

Submissions (13):

CeGaT Center for Human Genetics Tuebingen
Classification: Benign. Last evaluated: 2026-09-01. Review status: criteria provided, single submitter. Criteria: CeGaT Center For Human Genetics Tuebingen Variant Classification Criteria Version 2. Collection method: clinical testing. Allele origin: germline. Affected: yes. Observed: 35 variant alleles.
Comment: SELENON: BP4, BS1, BS2

Labcorp Genetics (formerly Invitae), Labcorp
Classification: Benign for Eichsfeld type congenital muscular dystrophy. Last evaluated: 2026-02-04. Review status: criteria provided, single submitter. Criteria: Invitae Variant Classification Sherloc (09022015). Collection method: clinical testing. Allele origin: germline.

Athena Diagnostics
Classification: Benign. Last evaluated: 2024-12-17. Review status: criteria provided, single submitter. Criteria: Athena Diagnostics Criteria. Collection method: clinical testing. Allele origin: unknown.
Comment: The frequency of this variant in the general population is higher than would generally be expected for pathogenic variants in this gene. Computational tools yielded predictions that this variant is unlikely to have an effect on normal RNA splicing. This nucleotide position exhibits low evolutionary conservation.

Mayo Clinic Laboratories, Mayo Clinic
Classification: Benign. Last evaluated: 2022-10-27. Review status: criteria provided, single submitter. Criteria: ACMG Guidelines, 2015. Collection method: clinical testing. Allele origin: germline. Observed: 11 variant alleles.

Illumina Laboratory Services, Illumina
Classification: Benign for SEPN1-Related Disorders. Last evaluated: 2018-01-12. Review status: criteria provided, single submitter. Criteria: ICSL Variant Classification Criteria 13 December 2019. Collection method: clinical testing. Allele origin: germline.
Comment: This variant was observed in the ICSL laboratory as part of a predisposition screen in an ostensibly healthy population. It had not been previously curated by ICSL or reported in the Human Gene Mutation Database (HGMD: prior to June 1st, 2018), and was therefore a candidate for classification through an automated scoring system. Utilizing variant allele frequency, disease prevalence and penetrance estimates, and inheritance mode, an automated score was calculated to assess if this variant is too frequent to cause the disease. Based on the score and internal cut-off values, a variant classified as benign is not then subjected to further curation. The score for this variant resulted in a classification of benign for this disease.

Genetic Services Laboratory, University of Chicago
Classification: Benign. Last evaluated: 2016-12-05. Review status: criteria provided, single submitter. Criteria: ACMG Guidelines, 2015. Collection method: clinical testing. Allele origin: germline. Affected: no.

GeneDx
Classification: Benign. Last evaluated: 2016-05-11. Review status: criteria provided, single submitter. Criteria: GeneDx Variant Classification (06012015). Collection method: clinical testing. Allele origin: germline. Affected: yes.
Comment: This variant is considered likely benign or benign based on one or more of the following criteria: it is a conservative change, it occurs at a poorly conserved position in the protein, it is predicted to be benign by multiple in silico algorithms, and/or has population frequency not consistent with disease.

PreventionGenetics, part of Exact Sciences
Classification: Likely benign. Last evaluated: 2016-04-18. Review status: criteria provided, single submitter. Criteria: ACMG Guidelines, 2015. Collection method: clinical testing. Allele origin: germline.

Breakthrough Genomics
Classification: Likely benign. Review status: criteria provided, single submitter. Criteria: ACMG Guidelines, 2015. Collection method: not provided. Allele origin: germline. Inheritance: Autosomal recessive inheritance. Affected: yes.

Clinical Genetics, Academic Medical Center
Classification: Benign. Review status: no assertion criteria provided. Collection method: clinical testing. Allele origin: germline. Affected: yes. Study: VKGL Data-share Consensus. Not counted in ClinVar's aggregate classification.

Genome Diagnostics Laboratory, University Medical Center Utrecht
Classification: Benign. Review status: no assertion criteria provided. Collection method: clinical testing. Allele origin: germline. Affected: yes. Study: VKGL Data-share Consensus. Not counted in ClinVar's aggregate classification.

Joint Genome Diagnostic Labs from Nijmegen and Maastricht, Radboudumc and MUMC+
Classification: Benign. Review status: no assertion criteria provided. Collection method: clinical testing. Allele origin: germline. Affected: yes. Study: VKGL Data-share Consensus. Not counted in ClinVar's aggregate classification.

Laboratory of Diagnostic Genome Analysis, Leiden University Medical Center (LUMC)
Classification: Likely benign. Review status: no assertion criteria provided. Collection method: clinical testing. Allele origin: germline. Affected: yes. Study: VKGL Data-share Consensus. Not counted in ClinVar's aggregate classification.